The following is an entry in ClinVar:

NM_001148.6(ANK2):c.2797G>C (p.Val933Leu)

Gene: ANK2 (ankyrin 2; plus strand). Cytogenetic location: 4q26.
Variant type: single nucleotide variant.
Coding change: c.2797G>C on transcript NM_001148.6 (MANE Select); coding-DNA position 2797, G replaced by C.
Protein change: p.Val933Leu; replaces valine 933 with leucine.
Molecular consequence: missense variant.
Genome position (GRCh38, 1-based): chr4:113,318,517, G>C. VCF-style: chr4-113318517-G-C. GRCh37 (hg19) VCF-style: chr4-114239673-G-C.
Other names: c.2797G>C, p.Val933Leu (NM_020977.5, NM_001354228.2, NM_001354232.2 and 1 more transcripts); c.2734G>C, p.Val912Leu (NM_001127493.3, NM_001354243.2, NM_001354255.2 and 3 more transcripts); c.2809G>C, p.Val937Leu (NM_001354225.2); c.2839G>C, p.Val947Leu (NM_001354230.2, NM_001354231.2, NM_001354237.2 and 1 more transcripts); c.2794G>C, p.Val932Leu (NM_001354235.2, NM_001354236.2, NM_001354246.2 and 1 more transcripts); c.2731G>C, p.Val911Leu (NM_001354239.2, NM_001354244.2, NM_001354252.2 and 3 more transcripts); c.2842G>C, p.Val948Leu (NM_001354240.2, NM_001354241.2, NM_001386144.1); c.2698G>C, p.Val900Leu (NM_001354245.2, NM_001354268.2); and 17 more; short protein forms V862L, V900L, V911L, V912L, V914L, V933L, V948L, V960L.
Identifiers: ClinVar variation 3295049 (VCV003295049.1).
Genomic context (GRCh38, chr4:113,318,517, plus strand): 5'-TATATTTTACTTTAATTGAAGCAAAGTGTGTTTATTCAATCCAGTGTTCTTTGTGTTTAG[G>C]TGTCAACTCTAGCCAAGGAGGCAGAAAGGAATTCTTATCGCCTAAGCTGGGGCACTGAGA-3'
Protein context (NP_001139.3, residues 923-943): DDSVVIPSHQ[Val933Leu]STLAKEAERN

ClinVar aggregate classification (germline): Uncertain significance (1 of 4 stars; one submission).

Conditions:
Cardiovascular phenotype. Identifiers: MedGen CN230736.

Submission:

Ambry Genetics
Classification: Uncertain significance for Cardiovascular phenotype. Last evaluated: 2024-05-25. Review status: criteria provided, single submitter. Criteria: Ambry Variant Classification Scheme 2023. Collection method: clinical testing. Allele origin: germline.
Comment: The p.V933L variant (also known as c.2797G>C) is located in coding exon 26 of the ANK2 gene. The valine at codon 933 is replaced by leucine, an amino acid with highly similar properties. This change occurs in the first base pair of coding exon 26. This amino acid position is conserved. In addition, the in silico prediction for this alteration is inconclusive. Based on the available evidence, the clinical significance of this variant remains unclear.